The following is an entry in ClinVar:

ClinVar aggregate classification (germline): Uncertain significance. Review status: criteria provided, multiple submitters, no conflicts (2 of 4 stars). 4 submissions from 4 submitters: Uncertain significance (4). Last evaluated 2025-05-28.

Conditions:
Familial adenomatous polyposis 3. Also called: NTHL1-Related Adenomatous Polyposis and Colorectal Cancer; NTHL1-associated polyposis; NTHL1-related attenuated familial adenomatous polyposis; NTHL1 Tumor Syndrome. Identifiers: Orphanet 220460, Orphanet 454840, MedGen C4225157, MONDO:0014630, OMIM 616415.
Hereditary cancer-predisposing syndrome. Also called: Tumor predisposition; Neoplastic Syndromes, Hereditary; Hereditary Cancer Syndrome; Hereditary neoplastic syndrome. Identifiers: Orphanet 140162, MedGen C0027672, MeSH D009386, MONDO:0015356.

Submissions (4):

Labcorp Genetics (formerly Invitae), Labcorp
Classification: Uncertain significance. Last evaluated: 2025-05-28. Review status: criteria provided, single submitter. Criteria: Invitae Variant Classification Sherloc (09022015). Collection method: clinical testing. Allele origin: germline.
Comment: This sequence change replaces methionine, which is neutral and non-polar, with leucine, which is neutral and non-polar, at codon 16 of the NTHL1 protein (p.Met16Leu). This variant is not present in population databases (gnomAD no frequency). This variant has not been reported in the literature in individuals affected with NTHL1-related conditions. ClinVar contains an entry for this variant (Variation ID: 651894). An algorithm developed to predict the effect of missense changes on protein structure and function (PolyPhen-2) suggests that this variant is likely to be tolerated. In summary, the available evidence is currently insufficient to determine the role of this variant in disease. Therefore, it has been classified as a Variant of Uncertain Significance.

Quest Diagnostics Nichols Institute San Juan Capistrano
Classification: Uncertain significance. Last evaluated: 2024-11-17. Review status: criteria provided, single submitter. Criteria: Quest Diagnostics criteria. Collection method: clinical testing. Allele origin: unknown.
Comment: The NTHL1 c.46A>C (p.Met16Leu) variant has not been reported in individuals with NTHL1-related conditions in the published literature. It also has not been reported in large, multi-ethnic general populations (Genome Aggregation Database). Analysis of this variant using bioinformatics tools for the prediction of the effect of amino acid changes on protein structure and function yielded predictions that this variant is benign. Based on the available information, we are unable to determine the clinical significance of this variant.

Ambry Genetics
Classification: Uncertain significance for Hereditary cancer-predisposing syndrome. Last evaluated: 2023-10-28. Review status: criteria provided, single submitter. Criteria: Ambry Variant Classification Scheme 2023. Collection method: clinical testing. Allele origin: germline.
Comment: The p.M16L variant (also known as c.46A>C), located in coding exon 1 of the NTHL1 gene, results from an A to C substitution at nucleotide position 46. The methionine at codon 16 is replaced by leucine, an amino acid with highly similar properties. This amino acid position is well conserved in available vertebrate species. In addition, this alteration is predicted to be tolerated by in silico analysis. Since supporting evidence is limited at this time, the clinical significance of this alteration remains unclear.

Baylor Genetics
Classification: Uncertain significance for Familial adenomatous polyposis 3. Last evaluated: 2023-06-15. Review status: criteria provided, single submitter. Criteria: ACMG Guidelines, 2015. Collection method: clinical testing. Allele origin: unknown.

NM_002528.7(NTHL1):c.22A>C (p.Met8Leu)

Gene: NTHL1 (nth like DNA glycosylase 1; minus strand). Cytogenetic location: 16p13.3.
Variant type: single nucleotide variant.
Coding change: c.22A>C on transcript NM_002528.7 (MANE Select); coding-DNA position 22, A replaced by C.
Protein change: p.Met8Leu; replaces methionine 8 with leucine.
Molecular consequence: missense variant. On other transcripts: 5 prime UTR variant (1).
Genome position (GRCh38, 1-based): chr16:2,047,802, T>G on the plus strand (A>C on the coding strand, the complement: NTHL1 is on the minus strand). VCF-style: chr16-2047802-T-G. GRCh37 (hg19) VCF-style: chr16-2097803-T-G.
Other names: c.22A>C, p.Met8Leu (LRG_1366t1, NM_001318193.2); c.-157A>C (NM_001318194.2); short protein forms M8L.
Identifiers: ClinVar variation 651894 (VCV000651894.12), dbSNP rs1596228289, ClinGen allele CA394298612.